The following is an entry in ClinVar:

ClinVar aggregate classification (germline): Uncertain significance (1 of 4 stars; one submission).

Conditions:
Neurodevelopmental disorder with or without variable movement or behavioral abnormalities (NEDMAB). Identifiers: MedGen C5676908, MONDO:0859225, OMIM 619725.

Allele frequency attached by ClinVar (database versions not stated): gnomAD exomes below 0.00001.
gnomAD v4.1: 1 of 1,614,034 alleles (0.000062%); highest among the groups gnomAD compares: South Asian, 0.0011%; no homozygotes.

Submission:

Diagnostics Services (NGS), CSIR - Centre For Cellular And Molecular Biology
Classification: Uncertain significance for Neurodevelopmental disorder with or without variable movement or behavioral abnormalities. Last evaluated: 2023-04-05. Review status: criteria provided, single submitter. Criteria: ACMG Guidelines, 2015. Collection method: clinical testing. Allele origin: unknown. Affected: yes. Observed: 1 variant allele, 1 heterozygote.
Comment: The c.1193T>C variant is not present in publicly available population databases like 1000 Genomes, ExAC, EVS, Indian Exome Database or our in-house exome database. The variant has neither been published in literature nor reported to clinical databases like in ClinVar, Human Gene Mutation Database (HGMD) or OMIM, in any affected individuals. In silico pathogenicity prediction programs like SIFT, PolyPhen-2, MutationTaster2, CADD etc predicted this variant to be likely deleterious, however these predictions were not confirmed by published functional studies.

NM_021614.4(KCNN2):c.1193T>C (p.Ile398Thr)

Gene: KCNN2 (potassium calcium-activated channel subfamily N member 2; plus strand). Cytogenetic location: 5q22.3.
Variant type: single nucleotide variant.
Coding change: c.1193T>C on transcript NM_021614.4 (MANE Select); coding-DNA position 1193, T replaced by C.
Protein change: p.Ile398Thr; replaces isoleucine 398 with threonine.
Molecular consequence: missense variant. On other transcripts: non-coding transcript variant (1).
Genome position (GRCh38, 1-based): chr5:114,363,976, T>C. VCF-style: chr5-114363976-T-C. GRCh37 (hg19) VCF-style: chr5-113699673-T-C.
Other names: c.1391T>C, p.Ile464Thr (NM_001372233.1); short protein forms I398T, I464T.
Identifiers: ClinVar variation 2499528 (VCV002499528.3), dbSNP rs2531557593, ClinGen allele CA360704178.
Genomic context (GRCh38, chr5:114,363,976, plus strand): 5'-ATTCCTTAGCTCTGAAATGCCTTATCAGTCTCTCCACGATCATCCTGCTCGGTCTGATCA[T>C]CGTGTACCACGCCAGGGAAATACAGGTAACTTAGGTCCTGCTGTTTATGAATGACCCAAA-3'
Protein context (NP_067627.3, residues 388-408): LSTIILLGLI[Ile398Thr]VYHAREIQLF